The following is an entry in ClinVar:

ClinVar aggregate classification (germline): Uncertain significance (1 of 4 stars; one submission).

gnomAD v4.1: 3 of 1,612,158 alleles (0.00019%); highest among the groups gnomAD compares: Non-Finnish European, 0.00025%; no homozygotes.

Submission:

Dasa
Classification: Uncertain significance. Last evaluated: 2025-10-27. Review status: criteria provided, single submitter. Criteria: DASA Assertion Criteria. Collection method: clinical testing. Allele origin: germline.
Comment: NM_001220.5(CAMK2B):c.311C>T (p.Ala104Val) is a missense variant that results in the substitution of alanine with valine. This variant is rare in population databases. Computational prediction algorithms are consistent with a benign effect. The currently available literature and clinical evidence are not sufficient to establish a definitive association between this variant and the reported condition. Therefore, this variant is classified as a variant of uncertain significance.

NM_001220.5(CAMK2B):c.311C>T (p.Ala104Val)

Gene: CAMK2B (calcium/calmodulin dependent protein kinase II beta; minus strand). Cytogenetic location: 7p13.
Variant type: single nucleotide variant.
Coding change: c.311C>T on transcript NM_001220.5 (MANE Select); coding-DNA position 311, C replaced by T.
Protein change: p.Ala104Val; replaces alanine 104 with valine.
Molecular consequence: missense variant.
Genome position (GRCh38, 1-based): chr7:44,254,572, G>A on the plus strand (C>T on the coding strand, the complement: CAMK2B is on the minus strand). VCF-style: chr7-44254572-G-A. GRCh37 (hg19) VCF-style: chr7-44294171-G-A.
Other names: c.311C>T, p.Ala104Val (NM_172081.3, NM_172082.3, NM_172083.3 and 5 more transcripts); short protein forms A104V.
Identifiers: ClinVar variation 4885048 (VCV004885048.2).